The following is an entry in ClinVar:

ClinVar aggregate classification (germline): Uncertain significance (1 of 4 stars; one submission).

Conditions:
Long QT syndrome (LQTS). Identifiers: MedGen C0023976, MeSH D008133, MONDO:0002442. Disease mechanism: loss of function. Inheritance: Various modes of inheritance.

gnomAD v4.1: 2 of 1,614,094 alleles (0.00012%); highest among the groups gnomAD compares: Non-Finnish European, 0.00017%; no homozygotes.

Submission:

Labcorp Genetics (formerly Invitae), Labcorp
Classification: Uncertain significance for Long QT syndrome. Last evaluated: 2022-07-20. Review status: criteria provided, single submitter. Criteria: Invitae Variant Classification Sherloc (09022015). Collection method: clinical testing. Allele origin: germline.
Comment: This sequence change replaces serine, which is neutral and polar, with glycine, which is neutral and non-polar, at codon 575 of the ANK2 protein (p.Ser575Gly). This variant is not present in population databases (gnomAD no frequency). This variant has not been reported in the literature in individuals affected with ANK2-related conditions. Algorithms developed to predict the effect of missense changes on protein structure and function are either unavailable or do not agree on the potential impact of this missense change (SIFT: "Tolerated"; PolyPhen-2: "Probably Damaging"; Align-GVGD: "Class C0"). In summary, the available evidence is currently insufficient to determine the role of this variant in disease. Therefore, it has been classified as a Variant of Uncertain Significance.

NM_001148.6(ANK2):c.1723A>G (p.Ser575Gly)

Gene: ANK2 (ankyrin 2; plus strand). Cytogenetic location: 4q26.
Variant type: single nucleotide variant.
Coding change: c.1723A>G on transcript NM_001148.6 (MANE Select); coding-DNA position 1723, A replaced by G.
Protein change: p.Ser575Gly; replaces serine 575 with glycine.
Molecular consequence: missense variant.
Genome position (GRCh38, 1-based): chr4:113,277,876, A>G. VCF-style: chr4-113277876-A-G. GRCh37 (hg19) VCF-style: chr4-114199032-A-G.
Other names: c.1660A>G, p.Ser554Gly (NM_001127493.3, NM_001354239.2, NM_001354243.2 and 14 more transcripts); c.1723A>G, p.Ser575Gly (NM_001354225.2, NM_001354228.2, NM_001354232.2 and 8 more transcripts); c.1768A>G, p.Ser590Gly (NM_001354230.2, NM_001354231.2, NM_001354237.2 and 5 more transcripts); c.1636A>G, p.Ser546Gly (NM_001354249.2, NM_001354260.2, NM_001354264.2 and 13 more transcripts); c.1681A>G, p.Ser561Gly (NM_001354261.2, NM_001386147.1, NM_001386160.1); c.1513A>G, p.Ser505Gly (NM_001354269.3); c.1525A>G, p.Ser509Gly (NM_001354273.2); c.1438A>G, p.Ser480Gly (NM_001354277.2, NM_001386157.1, NM_001386158.1); and 4 more; short protein forms S480G, S590G, S509G, S584G, S592G, S505G, S546G, S561G.
Identifiers: ClinVar variation 1944328 (VCV001944328.5), dbSNP rs2060803823, ClinGen allele CA357910884.